The following is an entry in ClinVar:

NM_025136.4(OPA3):c.201del (p.Ile68fs)

Genes: OPA3 (outer mitochondrial membrane lipid metabolism regulator OPA3; minus strand), OPA3-RTN2 (OPA3-RTN2 readthrough; minus strand). Cytogenetic location: 19q13.32.
Variant type: Deletion.
Coding change: c.201del on transcript NM_025136.4 (MANE Select); coding-DNA position 201, one base deleted (C; older notation c.201delC).
Protein change: p.Ile68fs; shifts the reading frame from isoleucine 68.
Molecular consequence: frameshift variant. On other transcripts: intron variant (1).
Genome position (GRCh38, 1-based): chr19:45,553,853, G deleted on the plus strand (C on the coding strand, the reverse complement: OPA3 is on the minus strand). VCF-style (leftmost placement, unchanged base first): chr19-45553852-TG-T. GRCh37 (hg19) VCF-style: chr19-46057110-TG-T.
Other names: c.143-24397del (NM_001017989.3); short protein forms I68fs.
Identifiers: ClinVar variation 1900110 (VCV001900110.2), dbSNP rs2513824625, ClinGen allele CA2580097506.

ClinVar aggregate classification (germline): Uncertain significance (1 of 4 stars; one submission).

Conditions:
Optic atrophy 3 (OPA3). Also called: Optic atrophy, cataract, and neurologic disorder; OPTIC ATROPHY 3, AUTOSOMAL DOMINANT; Optic atrophy 3 with cataract. Identifiers: Orphanet 67036, MedGen C1833809, MONDO:0008133, OMIM 165300.
3-Methylglutaconic aciduria type 3 (MGCA3). Also called: OPA3, AUTOSOMAL RECESSIVE; OPTIC ATROPHY 3, AUTOSOMAL RECESSIVE; OPA3-Related 3-Methylglutaconic Aciduria; Costeff Syndrome. Identifiers: Orphanet 67047, MedGen C0574084, MONDO:0009787, OMIM 258501.

Allele frequency attached by ClinVar (database versions not stated): gnomAD exomes below 0.00001.

Submission:

Labcorp Genetics (formerly Invitae), Labcorp
Classification: Uncertain significance for 3-Methylglutaconic aciduria type 3; Optic atrophy 3. Last evaluated: 2022-09-13. Review status: criteria provided, single submitter. Criteria: Invitae Variant Classification Sherloc (09022015). Collection method: clinical testing. Allele origin: germline.
Comment: This sequence change creates a premature translational stop signal (p.Ile68Serfs*4) in the OPA3 gene. While this is not anticipated to result in nonsense mediated decay, it is expected to disrupt the last 112 amino acid(s) of the OPA3 protein. This variant is not present in population databases (gnomAD no frequency). This variant has not been reported in the literature in individuals affected with OPA3-related conditions. Experimental studies and prediction algorithms are not available or were not evaluated, and the functional significance of this variant is currently unknown. This variant disrupts the C-terminus of the OPA3 protein. Other variant(s) that disrupt this region (p.Glu139*) have been observed in individuals with OPA3-related conditions (PMID: 18985435). This suggests that this may be a clinically significant region of the protein. In summary, the available evidence is currently insufficient to determine the role of this variant in disease. Therefore, it has been classified as a Variant of Uncertain Significance.

Literature cited by the submitters: PubMed 18985435.